The following is an entry in ClinVar:

NM_000222.3(KIT):c.2107T>A (p.Tyr703Asn)

Gene: KIT (KIT proto-oncogene, receptor tyrosine kinase; plus strand). Cytogenetic location: 4q12.
Variant type: single nucleotide variant.
Coding change: c.2107T>A on transcript NM_000222.3 (MANE Select); coding-DNA position 2107, T replaced by A.
Protein change: p.Tyr703Asn; replaces tyrosine 703 with asparagine.
Molecular consequence: missense variant.
Genome position (GRCh38, 1-based): chr4:54,729,451, T>A. VCF-style: chr4-54729451-T-A. GRCh37 (hg19) VCF-style: chr4-55595617-T-A.
Other names: c.2095T>A, p.Tyr699Asn (NM_001093772.2, NM_001385286.1); c.2110T>A, p.Tyr704Asn (NM_001385284.1, NM_001385290.1); c.2107T>A, p.Tyr703Asn (NM_001385285.1); c.2098T>A, p.Tyr700Asn (NM_001385288.1, NM_001385292.1); short protein forms Y699N, Y703N, Y704N, Y700N.
Identifiers: ClinVar variation 2454113 (VCV002454113.2), dbSNP rs746990067, ClinGen allele CA356909773.

ClinVar aggregate classification (germline): Uncertain significance (1 of 4 stars; one submission).

Conditions:
Hereditary cancer-predisposing syndrome. Also called: Neoplastic Syndromes, Hereditary; Hereditary neoplastic syndrome; Tumor predisposition; Hereditary Cancer Syndrome. Identifiers: Orphanet 140162, MedGen C0027672, MeSH D009386, MONDO:0015356.

gnomAD v4.1: 3 of 1,613,688 alleles (0.00019%); highest among the groups gnomAD compares: Non-Finnish European, 0.00025%; no homozygotes.

Submission:

Ambry Genetics
Classification: Uncertain significance for Hereditary cancer-predisposing syndrome. Last evaluated: 2023-02-23. Review status: criteria provided, single submitter. Criteria: Ambry Variant Classification Scheme 2023. Collection method: clinical testing. Allele origin: germline.
Comment: The p.Y703N variant (also known as c.2107T>A), located in coding exon 14 of the KIT gene, results from a T to A substitution at nucleotide position 2107. The tyrosine at codon 703 is replaced by asparagine, an amino acid with dissimilar properties. This amino acid position is conserved. In addition, the in silico prediction for this alteration is inconclusive. Since supporting evidence is limited at this time, the clinical significance of this alteration remains unclear.